The following is an entry in ClinVar:

ClinVar aggregate classification (germline): Uncertain significance. Review status: criteria provided, multiple submitters, no conflicts (2 of 4 stars). 6 submissions from 6 submitters: Uncertain significance (6). Last evaluated 2024-07-29.

Conditions:
RYR1-related disorder. Also called: RYR1-related disorders; RYR1-related condition. Identifiers: MedGen CN239331.
Malignant hyperthermia, susceptibility to, 1 (MHS1). Also called: Anesthesia related hyperthermia; Malignant hyperpyrexia; Fulminating hyperpyrexia; Pharmacogenic myopathy; RYR1-Related Malignant Hyperthermia Susceptibility; Malignant hyperthermia suceptibility 1. Identifiers: Orphanet 423, MedGen C2930980, MONDO:0007783, OMIM 145600.
Congenital multicore myopathy with external ophthalmoplegia (CMYO1B). Also called: MULTIMINICORE DISEASE WITH EXTERNAL OPHTHALMOPLEGIA; Congenital myopathy 1B, autosomal recessive; Minicore myopathy; Minicore myopathy with external ophthalmoplegia; MULTICORE MYOPATHY. Identifiers: Orphanet 598, Orphanet 98905, MedGen C1850674, MONDO:0009712, OMIM 255320, HP:0003789.
Congenital myopathy with fiber type disproportion. Also called: Congenital fiber-type disproportion myopathy; Congenital fiber-type disproportion. Identifiers: Orphanet 2020, MedGen C0546264, MONDO:0009711. Inheritance: all.
Central core myopathy (CMYO1A). Also called: CONGENITAL MYOPATHY 1A, AUTOSOMAL DOMINANT, WITH SUSCEPTIBILITY TO MALIGNANT HYPERTHERMIA; Central core disease; Myopathy, central fibrillar. Identifiers: Orphanet 597, MedGen C5830701, MONDO:0007294, OMIM 117000.
King Denborough syndrome (KDS). Identifiers: MedGen C1840365, MONDO:0020485, OMIM 619542.

Allele frequency attached by ClinVar (database versions not stated): gnomAD exomes below 0.00001 and 0.00001; gnomAD 0.00001; ExAC 0.00002.
gnomAD v4.1: 22 of 1,599,934 alleles (0.0014%); highest among the groups gnomAD compares: Non-Finnish European, 0.0019%; no homozygotes.

Submissions (6):

All of Us Research Program, National Institutes of Health
Classification: Uncertain significance for Malignant hyperthermia, susceptibility to, 1. Last evaluated: 2024-07-29. Review status: criteria provided, single submitter. Criteria: ACMG Guidelines, 2015. Collection method: clinical testing. Allele origin: germline. Inheritance: Autosomal dominant inheritance. Observed: 6 variant alleles, 6 heterozygotes.
Comment: This missense variant replaces isoleucine with leucine at codon 2358 of the RYR1 protein. Computational prediction suggests that this variant may have deleterious impact on protein structure and function (internally defined REVEL score threshold >= 0.7, PMID: 27666373). To our knowledge, functional studies have not been reported for this variant. This variant has been reported in an individual with malignant hyperthermia susceptibility (PMID: 23558838, 31559918). This variant has been identified in 1/239514 chromosomes in the general population by the Genome Aggregation Database (gnomAD). The available evidence is insufficient to determine the role of this variant in disease conclusively. Therefore, this variant is classified as a Variant of Uncertain Significance.

This study involves interpretation of variants in research participants for the purpose of population health screening. Participant phenotype was not available at the time of variant classification. Additional details can be found in publication PMID: 35346344, PMCID: PMC8962531

Color Diagnostics, LLC DBA Color Health
Classification: Uncertain significance for Malignant hyperthermia, susceptibility to, 1. Last evaluated: 2024-06-26. Review status: criteria provided, single submitter. Criteria: ACMG Guidelines, 2015. Collection method: clinical testing. Allele origin: germline.
Comment: This missense variant replaces isoleucine with leucine at codon 2358 of the RYR1 protein. Computational prediction tools are inconclusive regarding the impact of this variant on RYR1 protein function. To our knowledge, functional studies have not been reported for this variant. This variant has been reported in an individual with malignant hyperthermia susceptibility (PMID: 23558838, 31559918). This variant has been identified in 1/239514 chromosomes in the general population by the Genome Aggregation Database (gnomAD). The available evidence is insufficient to determine the role of this variant in disease conclusively. Therefore, this variant is classified as a Variant of Uncertain Significance.

Athena Diagnostics
Classification: Uncertain significance. Last evaluated: 2022-06-22. Review status: criteria provided, single submitter. Criteria: Athena Diagnostics Criteria. Collection method: clinical testing. Allele origin: unknown.

Fulgent Genetics
Classification: Uncertain significance for Central core myopathy; Malignant hyperthermia, susceptibility to, 1; Congenital myopathy 4A, autosomal dominant; Congenital multicore myopathy with external ophthalmoplegia; King Denborough syndrome. Last evaluated: 2021-09-20. Review status: criteria provided, single submitter. Criteria: ACMG Guidelines, 2015. Collection method: clinical testing. Allele origin: unknown.

Labcorp Genetics (formerly Invitae), Labcorp
Classification: Uncertain significance for RYR1-related disorder. Last evaluated: 2021-09-17. Review status: criteria provided, single submitter. Criteria: Invitae Variant Classification Sherloc (09022015). Collection method: clinical testing. Allele origin: germline.
Comment: This sequence change replaces isoleucine with leucine at codon 2358 of the RYR1 protein (p.Ile2358Leu). The isoleucine residue is highly conserved and there is a small physicochemical difference between isoleucine and leucine. This variant is present in population databases (rs759306349, ExAC 0.003%). This variant has been observed in individual(s) with clinical features of malignant hyperthermia (PMID: 23558838). ClinVar contains an entry for this variant (Variation ID: 590581). Algorithms developed to predict the effect of missense changes on protein structure and function are either unavailable or do not agree on the potential impact of this missense change (SIFT: "Deleterious"; PolyPhen-2: "Benign"; Align-GVGD: "Class C0"). In summary, the available evidence is currently insufficient to determine the role of this variant in disease. Therefore, it has been classified as a Variant of Uncertain Significance.

PreventionGenetics, part of Exact Sciences
Classification: Uncertain significance. Last evaluated: 2017-10-20. Review status: criteria provided, single submitter. Criteria: ACMG Guidelines, 2015. Collection method: clinical testing. Allele origin: germline.

Literature cited by the submitters: PubMed 23558838 (cited by 4 submitters); PubMed 31559918 (cited by 3 submitters).

NM_000540.3(RYR1):c.7072A>C (p.Ile2358Leu)

Gene: RYR1 (ryanodine receptor 1; plus strand). Cytogenetic location: 19q13.2.
Variant type: single nucleotide variant.
Coding change: c.7072A>C on transcript NM_000540.3 (MANE Select); coding-DNA position 7072, A replaced by C.
Protein change: p.Ile2358Leu; replaces isoleucine 2358 with leucine.
Molecular consequence: missense variant.
Genome position (GRCh38, 1-based): chr19:38,499,679, A>C. VCF-style: chr19-38499679-A-C. GRCh37 (hg19) VCF-style: chr19-38990319-A-C.
Other names: c.7072A>C, p.Ile2358Leu (NM_001042723.2); short protein forms I2358L.
Identifiers: ClinVar variation 590581 (VCV000590581.8), dbSNP rs759306349, ClinGen allele CA069102.